The following is an entry in ClinVar:

NM_138295.5(PKD1L1):c.3919C>T (p.Leu1307Phe)

Gene: PKD1L1 (polycystin 1 like 1, transient receptor potential channel interacting; minus strand). Cytogenetic location: 7p12.3.
Variant type: single nucleotide variant.
Coding change: c.3919C>T on transcript NM_138295.5 (MANE Select); coding-DNA position 3919, C replaced by T.
Protein change: p.Leu1307Phe; replaces leucine 1307 with phenylalanine.
Molecular consequence: missense variant.
Genome position (GRCh38, 1-based): chr7:47,866,592, G>A on the plus strand (C>T on the coding strand, the complement: PKD1L1 is on the minus strand). VCF-style: chr7-47866592-G-A. GRCh37 (hg19) VCF-style: chr7-47906190-G-A.
Other names: c.3919C>T (NM_138295.3); short protein forms L1307F.
Identifiers: ClinVar variation 3239604 (VCV003239604.19), dbSNP rs199855897.

ClinVar aggregate classification (germline): Uncertain significance. Review status: criteria provided, multiple submitters, no conflicts (2 of 4 stars). 2 submissions from 2 submitters: Uncertain significance (2). Last evaluated 2025-04-01.

Conditions:
Inborn genetic diseases. Identifiers: MedGen C0950123, MeSH D030342.

Allele frequency attached by ClinVar (database versions not stated): ExAC 0.00005.
gnomAD v4.1: 200 of 1,607,992 alleles (0.012%); highest among the groups gnomAD compares: Non-Finnish European, 0.016%; 1 homozygote.

Submissions (2):

Ambry Genetics
Classification: Uncertain significance for Inborn genetic diseases. Last evaluated: 2025-04-01. Review status: criteria provided, single submitter. Criteria: Ambry Variant Classification Scheme 2023. Collection method: clinical testing. Allele origin: germline.

CeGaT Center for Human Genetics Tuebingen
Classification: Uncertain significance. Last evaluated: 2024-05-01. Review status: criteria provided, single submitter. Criteria: CeGaT Center For Human Genetics Tuebingen Variant Classification Criteria Version 2. Collection method: clinical testing. Allele origin: germline. Affected: yes. Observed: 1 variant allele.
Comment: PKD1L1: PM2, BP4